The following is an entry in ClinVar:

ClinVar aggregate classification (germline): Uncertain significance. Review status: criteria provided, multiple submitters, no conflicts (2 of 4 stars). 6 submissions from 6 submitters: Uncertain significance (5). 1 of the submissions does not count toward it. Last evaluated 2025-11-18.

Conditions:
Hereditary cancer-predisposing syndrome. Also called: Hereditary Cancer Syndrome; Neoplastic Syndromes, Hereditary; Tumor predisposition; Hereditary neoplastic syndrome. Identifiers: Orphanet 140162, MedGen C0027672, MeSH D009386, MONDO:0015356.
Ataxia-telangiectasia syndrome (AT). Also called: Ataxia-telangiectasia, complementation group D; AT, COMPLEMENTATION GROUP C; ATAXIA-TELANGIECTASIA, COMPLEMENTATION GROUP A; ATAXIA-TELANGIECTASIA, FRESNO VARIANT; Ataxia-telangiectasia; LOUIS-BAR SYNDROME. Identifiers: Orphanet 100, MedGen C0004135, MONDO:0008840, OMIM 208900.

Allele frequency attached by ClinVar (database versions not stated): gnomAD 0.00001 and 0.00002; TOPMed 0.00001; ExAC 0.00003; gnomAD exomes 0.00003.
gnomAD v4.1: 18 of 1,613,818 alleles (0.0011%); highest among the groups gnomAD compares: South Asian, 0.016%; 1 homozygote.

Submissions (6):

Labcorp Genetics (formerly Invitae), Labcorp
Classification: Uncertain significance for Ataxia-telangiectasia syndrome. Last evaluated: 2025-11-18. Review status: criteria provided, single submitter. Criteria: Invitae Variant Classification Sherloc (09022015). Collection method: clinical testing. Allele origin: germline.
Comment: This sequence change replaces leucine, which is neutral and non-polar, with phenylalanine, which is neutral and non-polar, at codon 942 of the ATM protein (p.Leu942Phe). This variant is present in population databases (rs3218688, gnomAD 0.03%). This variant has not been reported in the literature in individuals affected with ATM-related conditions. ClinVar contains an entry for this variant (Variation ID: 187342). Invitae Evidence Modeling of protein sequence and biophysical properties (such as structural, functional, and spatial information, amino acid conservation, physicochemical variation, residue mobility, and thermodynamic stability) indicates that this missense variant is not expected to disrupt ATM protein function with a negative predictive value of 95%. In summary, the available evidence is currently insufficient to determine the role of this variant in disease. Therefore, it has been classified as a Variant of Uncertain Significance.

Ambry Genetics
Classification: Uncertain significance for Hereditary cancer-predisposing syndrome. Last evaluated: 2025-03-18. Review status: criteria provided, single submitter. Criteria: Ambry Variant Classification Scheme 2023. Collection method: clinical testing. Allele origin: germline.
Comment: The p.L942F variant (also known as c.2824C>T), located in coding exon 17 of the ATM gene, results from a C to T substitution at nucleotide position 2824. The leucine at codon 942 is replaced by phenylalanine, an amino acid with highly similar properties. This alteration has been detected in 0/4112 breast cancer patients and 1/2399 healthy control individuals across numerous studies (Tavtigian SV et al. Am. J. Hum. Genet. 2009 Oct;85:427-46). In addition, this alteration has been reported in a study of 1/13087 breast cancer cases and 0/5488 control individuals in the UK (Decker B et al. J Med Genet, 2017 11;54:732-741). This amino acid position is well conserved in available vertebrate species. In addition, this alteration is predicted to be tolerated by in silico analysis. Since supporting evidence is limited at this time, the clinical significance of this alteration remains unclear.

Color Diagnostics, LLC DBA Color Health
Classification: Uncertain significance for Hereditary cancer-predisposing syndrome. Last evaluated: 2024-02-26. Review status: criteria provided, single submitter. Criteria: ACMG Guidelines, 2015. Collection method: clinical testing. Allele origin: germline.
Comment: This missense variant replaces leucine with phenylalanine at codon 942 of the ATM protein. Computational prediction suggests that this variant may not impact protein structure and function. To our knowledge, functional studies have not been reported for this variant. This variant has not been reported in individuals affected with ATM-related disorders in the literature. This variant has been identified in 8/251360 chromosomes in the general population by the Genome Aggregation Database (gnomAD). The available evidence is insufficient to determine the role of this variant in disease conclusively. Therefore, this variant is classified as a Variant of Uncertain Significance.

GeneDx
Classification: Uncertain significance. Last evaluated: 2023-09-06. Review status: criteria provided, single submitter. Criteria: GeneDx Variant Classification Process June 2021. Collection method: clinical testing. Allele origin: germline. Affected: yes.
Comment: In silico analysis supports that this missense variant does not alter protein structure/function; Observed in an individual with breast cancer (Decker et al., 2017); This variant is associated with the following publications: (PMID: 19781682, 28779002)

PreventionGenetics, part of Exact Sciences
Classification: Uncertain significance. Last evaluated: 2018-01-19. Review status: criteria provided, single submitter. Criteria: ACMG Guidelines, 2015. Collection method: clinical testing. Allele origin: germline.

Natera, Inc.
Classification: Uncertain significance for Ataxia-telangiectasia. Last evaluated: 2020-09-24. Review status: no assertion criteria provided. Collection method: clinical testing. Allele origin: germline. Not counted in ClinVar's aggregate classification.

Literature cited by the submitters: PubMed 19781682 (cited by Ambry Genetics); PubMed 28779002 (cited by Ambry Genetics).

NM_000051.4(ATM):c.2824C>T (p.Leu942Phe)

Gene: ATM (ATM serine/threonine kinase; plus strand). Cytogenetic location: 11q22.3.
Variant type: single nucleotide variant.
Coding change: c.2824C>T on transcript NM_000051.4 (MANE Select); coding-DNA position 2824, C replaced by T.
Protein change: p.Leu942Phe; replaces leucine 942 with phenylalanine.
Molecular consequence: missense variant.
Genome position (GRCh38, 1-based): chr11:108,268,595, C>T. VCF-style: chr11-108268595-C-T. GRCh37 (hg19) VCF-style: chr11-108139322-C-T.
Other names: c.2824C>T, p.Leu942Phe (NM_001351834.2); short protein forms L942F.
Identifiers: ClinVar variation 187342 (VCV000187342.29), dbSNP rs3218688, ClinGen allele CA197400.